The following is an entry in ClinVar:

NM_004595.5(SMS):c.661-4G>T

Gene: SMS (spermine synthase; plus strand). Cytogenetic location: Xp22.11.
Variant type: single nucleotide variant.
Coding change: c.661-4G>T on transcript NM_004595.5 (MANE Select); 4 bases into the intron before coding-DNA position 661, G replaced by T.
Molecular consequence: intron variant.
Genome position (GRCh38, 1-based): chrX:21,978,873, G>T. VCF-style: chrX-21978873-G-T. GRCh37 (hg19) VCF-style: chrX-21996991-G-T.
Other names: c.502-4G>T (NM_001258423.2).
Identifiers: ClinVar variation 391972 (VCV000391972.1), dbSNP rs1057524306, ClinGen allele CA16608866.

ClinVar aggregate classification (germline): Likely benign (1 of 4 stars; one submission).

Allele frequency attached by ClinVar (database versions not stated): gnomAD exomes 0.00001.

Submission:

GeneDx
Classification: Likely benign. Last evaluated: 2016-12-19. Review status: criteria provided, single submitter. Criteria: GeneDx Variant Classification (06012015). Collection method: clinical testing. Allele origin: germline. Affected: yes.
Comment: This variant is considered likely benign or benign based on one or more of the following criteria: it is a conservative change, it occurs at a poorly conserved position in the protein, it is predicted to be benign by multiple in silico algorithms, and/or has population frequency not consistent with disease.